The following is an entry in ClinVar:

NM_001365951.3(KIF1B):c.3635C>T (p.Pro1212Leu)

Gene: KIF1B (kinesin family member 1B; plus strand). Cytogenetic location: 1p36.22.
Variant type: single nucleotide variant.
Coding change: c.3635C>T on transcript NM_001365951.3 (MANE Select); coding-DNA position 3635, C replaced by T.
Protein change: p.Pro1212Leu; replaces proline 1212 with leucine.
Molecular consequence: missense variant.
Genome position (GRCh38, 1-based): chr1:10,343,234, C>T. VCF-style: chr1-10343234-C-T. GRCh37 (hg19) VCF-style: chr1-10403292-C-T.
Other names: c.3635C>T, p.Pro1212Leu (NM_001365952.1); c.3497C>T, p.Pro1166Leu (NM_015074.3); short protein forms P1166L, P1212L.
Identifiers: ClinVar variation 215882 (VCV000215882.41), dbSNP rs141224290, ClinGen allele CA337445.

ClinVar aggregate classification (germline): Benign/Likely benign. Review status: criteria provided, multiple submitters, no conflicts (2 of 4 stars). 8 submissions from 8 submitters: Benign (2); Likely benign (6). Last evaluated 2026-02-02.

Conditions:
Charcot-Marie-Tooth disease type 2. Also called: Charcot-Marie-Tooth type 2. Identifiers: Orphanet 64746, MedGen C0270914, MONDO:0018993.
Charcot-Marie-Tooth disease. Also called: Charcot-Marie-Tooth Hereditary Neuropathy; Charcot-Marie-Tooth Neuropathy. Identifiers: Orphanet 166, MedGen C0007959, MONDO:0015626.
Hereditary cancer-predisposing syndrome. Also called: Tumor predisposition; Neoplastic Syndromes, Hereditary; Hereditary Cancer Syndrome; Hereditary neoplastic syndrome. Identifiers: Orphanet 140162, MedGen C0027672, MeSH D009386, MONDO:0015356.

Allele frequency attached by ClinVar (database versions not stated): gnomAD exomes 0.00028 and 0.00065; ExAC 0.00079; 1000 Genomes Project 0.00120; 1000 Genomes Project 30x 0.00141; ESP Exome Variant Server 0.00161; gnomAD 0.00255; TOPMed 0.00284.
gnomAD v4.1: 874 of 1,614,050 alleles (0.054%); highest among the groups gnomAD compares: African/African-American, 0.97%; 4 homozygotes.

Submissions (8):

Labcorp Genetics (formerly Invitae), Labcorp
Classification: Benign for Charcot-Marie-Tooth disease type 2. Last evaluated: 2026-02-02. Review status: criteria provided, single submitter. Criteria: Invitae Variant Classification Sherloc (09022015). Collection method: clinical testing. Allele origin: germline.

Blueprint Genetics
Classification: Likely benign. Last evaluated: 2024-11-13. Review status: criteria provided, single submitter. Criteria: ACMG Guidelines, 2015. Collection method: clinical testing. Allele origin: germline.

ARUP Laboratories, Molecular Genetics and Genomics, ARUP Laboratories
Classification: Likely benign. Last evaluated: 2024-10-02. Review status: criteria provided, single submitter. Criteria: ARUP Molecular Germline Variant Investigation Process 2024. Collection method: clinical testing. Allele origin: germline.

Ambry Genetics
Classification: Likely benign. Last evaluated: 2024-05-10. Review status: criteria provided, single submitter. Criteria: Ambry Variant Classification Scheme 2023. Collection method: clinical testing. Allele origin: germline.

CeGaT Center for Human Genetics Tuebingen
Classification: Likely benign. Last evaluated: 2024-04-01. Review status: criteria provided, single submitter. Criteria: CeGaT Center For Human Genetics Tuebingen Variant Classification Criteria Version 2. Collection method: clinical testing. Allele origin: germline. Affected: yes. Observed: 2 variant alleles.
Comment: KIF1B: BS1

Vantari Genetics
Classification: Benign for Hereditary cancer-predisposing syndrome. Last evaluated: 2015-12-07. Review status: criteria provided, single submitter. Criteria: ACMG Guidelines, 2015. Collection method: clinical testing. Allele origin: germline.

Breakthrough Genomics
Classification: Likely benign. Review status: criteria provided, single submitter. Criteria: ACMG Guidelines, 2015. Collection method: not provided. Allele origin: germline. Inheritance: Autosomal dominant inheritance. Affected: yes.

Molecular Genetics Laboratory, London Health Sciences Centre
Classification: Likely benign for Charcot-Marie-Tooth disease. Review status: criteria provided, single submitter. Criteria: ACMG Guidelines, 2015. Collection method: clinical testing. Allele origin: germline. Affected: yes.